The following is an entry in ClinVar:

ClinVar aggregate classification (germline): Uncertain significance. Review status: criteria provided, multiple submitters, no conflicts (2 of 4 stars). 2 submissions from 2 submitters: Uncertain significance (2). Last evaluated 2023-07-17.

Conditions:
Hypertrophic cardiomyopathy. Also called: HYPERTROPHIC MYOCARDIOPATHY. Identifiers: Orphanet 217569, MedGen C0007194, MeSH D002312, MONDO:0005045, HP:0001639.

Submissions (2):

Labcorp Genetics (formerly Invitae), Labcorp
Classification: Uncertain significance for Hypertrophic cardiomyopathy. Last evaluated: 2023-07-17. Review status: criteria provided, single submitter. Criteria: Invitae Variant Classification Sherloc (09022015). Collection method: clinical testing. Allele origin: germline.
Comment: In summary, the available evidence is currently insufficient to determine the role of this variant in disease. Therefore, it has been classified as a Variant of Uncertain Significance. Variants that disrupt the consensus splice site are a relatively common cause of aberrant splicing (PMID: 17576681, 9536098). Algorithms developed to predict the effect of sequence changes on RNA splicing suggest that this variant may create or strengthen a splice site. ClinVar contains an entry for this variant (Variation ID: 694565). This variant has not been reported in the literature in individuals affected with MYBPC3-related conditions. This variant is not present in population databases (gnomAD no frequency). This sequence change affects codon 218 of the MYBPC3 mRNA. It is a 'silent' change, meaning that it does not change the encoded amino acid sequence of the MYBPC3 protein. This variant also falls at the last nucleotide of exon 5, which is part of the consensus splice site for this exon.

Genetics and Genomics Program, Sidra Medicine
Classification: Uncertain significance for Hypertrophic cardiomyopathy. Review status: criteria provided, single submitter. Criteria: ACMG Guidelines, 2015. Collection method: research. Allele origin: unknown. Affected: yes. Observed: 1 variant allele.

Literature cited by the submitters: PubMed 17576681 (cited by Labcorp Genetics (formerly Invitae), Labcorp); PubMed 9536098 (cited by Labcorp Genetics (formerly Invitae), Labcorp).

NM_000256.3(MYBPC3):c.654G>A (p.Lys218=)

Gene: MYBPC3 (myosin binding protein C3; minus strand). Cytogenetic location: 11p11.2.
Variant type: single nucleotide variant.
Coding change: c.654G>A on transcript NM_000256.3 (MANE Select); coding-DNA position 654, G replaced by A.
Protein change: p.Lys218=; no amino-acid change (lysine 218 retained).
Molecular consequence: synonymous variant.
Genome position (GRCh38, 1-based): chr11:47,349,774, C>T on the plus strand (G>A on the coding strand, the complement: MYBPC3 is on the minus strand). VCF-style: chr11-47349774-C-T. GRCh37 (hg19) VCF-style: chr11-47371325-C-T.
Identifiers: ClinVar variation 694565 (VCV000694565.8), dbSNP rs2095898361, ClinGen allele CA474221584.